The following is an entry in ClinVar:

ClinVar aggregate classification (germline): Uncertain significance (1 of 4 stars; one submission).

Submission:

Labcorp Genetics (formerly Invitae), Labcorp
Classification: Uncertain significance. Last evaluated: 2021-07-17. Review status: criteria provided, single submitter. Criteria: Invitae Variant Classification Sherloc (09022015). Collection method: clinical testing. Allele origin: germline.
Comment: This sequence change replaces serine with threonine at codon 1858 of the OBSL1 protein (p.Ser1858Thr). The serine residue is weakly conserved and there is a small physicochemical difference between serine and threonine. This variant is not present in population databases (ExAC no frequency). This variant has not been reported in the literature in individuals affected with OBSL1-related conditions. Algorithms developed to predict the effect of missense changes on protein structure and function are either unavailable or do not agree on the potential impact of this missense change (SIFT: "Tolerated"; PolyPhen-2: "Possibly Damaging"; Align-GVGD: "Class C0"). In summary, the available evidence is currently insufficient to determine the role of this variant in disease. Therefore, it has been classified as a Variant of Uncertain Significance.

NM_015311.3(OBSL1):c.5573G>C (p.Ser1858Thr)

Gene: OBSL1 (obscurin like cytoskeletal adaptor 1; minus strand). Cytogenetic location: 2q35.
Variant type: single nucleotide variant.
Coding change: c.5573G>C on transcript NM_015311.3 (MANE Select); coding-DNA position 5573, G replaced by C.
Protein change: p.Ser1858Thr; replaces serine 1858 with threonine.
Molecular consequence: missense variant.
Genome position (GRCh38, 1-based): chr2:219,551,639, C>G on the plus strand (G>C on the coding strand, the complement: OBSL1 is on the minus strand). VCF-style: chr2-219551639-C-G. GRCh37 (hg19) VCF-style: chr2-220416361-C-G.
Other names: short protein forms S1858T.
Identifiers: ClinVar variation 1471438 (VCV001471438.8), dbSNP rs2106004705, ClinGen allele CA350716172.